The following is an entry in ClinVar:

ClinVar aggregate classification (germline): Benign/Likely benign. Review status: criteria provided, multiple submitters, no conflicts (2 of 4 stars). 3 submissions from 3 submitters: Benign (1); Likely benign (2). Last evaluated 2026-07-01.

Allele frequency attached by ClinVar (database versions not stated): gnomAD exomes 0.00022 and 0.00055; ExAC 0.00075; gnomAD 0.00214 and 0.00228; TOPMed 0.00260; ESP Exome Variant Server 0.00315; 1000 Genomes Project 0.00339; 1000 Genomes Project 30x 0.00390.
gnomAD v4.1: 652 of 1,613,944 alleles (0.04%); highest among the groups gnomAD compares: African/African-American, 0.8%; 3 homozygotes.

Submissions (3):

CeGaT Center for Human Genetics Tuebingen
Classification: Likely benign. Last evaluated: 2026-07-01. Review status: criteria provided, single submitter. Criteria: CeGaT Center For Human Genetics Tuebingen Variant Classification Criteria Version 2. Collection method: clinical testing. Allele origin: germline. Affected: yes. Observed: 3 variant alleles.
Comment: ARMC9: BP4, BP7

Labcorp Genetics (formerly Invitae), Labcorp
Classification: Benign. Last evaluated: 2025-12-22. Review status: criteria provided, single submitter. Criteria: Invitae Variant Classification Sherloc (09022015). Collection method: clinical testing. Allele origin: germline.

Blueprint Genetics
Classification: Likely benign. Last evaluated: 2024-10-07. Review status: criteria provided, single submitter. Criteria: ACMG Guidelines, 2015. Collection method: clinical testing. Allele origin: germline.

NM_001352754.2(ARMC9):c.1236A>G (p.Thr412=)

Gene: ARMC9 (armadillo repeat containing 9; plus strand). Cytogenetic location: 2q37.1.
Variant type: single nucleotide variant.
Coding change: c.1236A>G on transcript NM_001352754.2 (MANE Select); coding-DNA position 1236, A replaced by G.
Protein change: p.Thr412=; no amino-acid change (threonine 412 retained).
Molecular consequence: synonymous variant. On other transcripts: non-coding transcript variant (1).
Genome position (GRCh38, 1-based): chr2:231,272,980, A>G. VCF-style: chr2-231272980-A-G. GRCh37 (hg19) VCF-style: chr2-232137693-A-G.
Other names: c.1236A>G, p.Thr412= (NM_001271466.4, NM_001291656.2, NM_001352755.2 and 3 more transcripts); c.1137A>G, p.Thr379= (NM_001352757.2, NM_001352758.2).
Identifiers: ClinVar variation 730288 (VCV000730288.33), dbSNP rs144180870, ClinGen allele CA2160260.